The following is an entry in ClinVar:

ClinVar aggregate classification (germline): Uncertain significance. Review status: criteria provided, multiple submitters, no conflicts (2 of 4 stars). 4 submissions from 4 submitters: Uncertain significance (4). Last evaluated 2025-08-03.

Conditions:
Fraser syndrome 2 (FRASRS2). Identifiers: MedGen C4540036, MONDO:0054738, OMIM 617666.
Inborn genetic diseases. Identifiers: MedGen C0950123, MeSH D030342.
Isolated cryptophthalmia. Also called: Cryptophthalmos, unilateral or bilateral, isolated; ANKYLOBLEPHARON, SIMPLE. Identifiers: Orphanet 91396, MedGen C1852453, MONDO:0007410, OMIM 123570.

Allele frequency attached by ClinVar (database versions not stated): TOPMed 0.00003; gnomAD 0.00005 and 0.00011; ExAC 0.00009; 1000 Genomes Project 30x 0.00047; 1000 Genomes Project 0.00060.
gnomAD v4.1: 321 of 1,613,972 alleles (0.02%); highest among the groups gnomAD compares: East Asian, 0.7%; 4 homozygotes.

Submissions (4):

Ambry Genetics
Classification: Uncertain significance for Inborn genetic diseases. Last evaluated: 2025-08-03. Review status: criteria provided, single submitter. Criteria: Ambry Variant Classification Scheme 2023. Collection method: clinical testing. Allele origin: germline.

Fulgent Genetics
Classification: Uncertain significance for Isolated cryptophthalmia; Fraser syndrome 2. Last evaluated: 2024-04-22. Review status: criteria provided, single submitter. Criteria: ACMG Guidelines, 2015. Collection method: clinical testing. Allele origin: germline.

Labcorp Genetics (formerly Invitae), Labcorp
Classification: Uncertain significance. Last evaluated: 2022-07-16. Review status: criteria provided, single submitter. Criteria: Invitae Variant Classification Sherloc (09022015). Collection method: clinical testing. Allele origin: germline.
Comment: This sequence change replaces proline, which is neutral and non-polar, with alanine, which is neutral and non-polar, at codon 2821 of the FREM2 protein (p.Pro2821Ala). This variant is present in population databases (rs186980482, gnomAD 0.1%). This variant has not been reported in the literature in individuals affected with FREM2-related conditions. ClinVar contains an entry for this variant (Variation ID: 312030). Algorithms developed to predict the effect of missense changes on protein structure and function (SIFT, PolyPhen-2, Align-GVGD) all suggest that this variant is likely to be tolerated. In summary, the available evidence is currently insufficient to determine the role of this variant in disease. Therefore, it has been classified as a Variant of Uncertain Significance.

Illumina Laboratory Services, Illumina
Classification: Uncertain significance for Fraser syndrome 2. Last evaluated: 2018-01-12. Review status: criteria provided, single submitter. Criteria: ICSL Variant Classification Criteria 13 December 2019. Collection method: clinical testing. Allele origin: germline.

NM_207361.6(FREM2):c.8461C>G (p.Pro2821Ala)

Gene: FREM2 (FRAS1 related extracellular matrix 2; plus strand). Cytogenetic location: 13q13.3.
Variant type: single nucleotide variant.
Coding change: c.8461C>G on transcript NM_207361.6 (MANE Select); coding-DNA position 8461, C replaced by G.
Protein change: p.Pro2821Ala; replaces proline 2821 with alanine.
Molecular consequence: missense variant.
Genome position (GRCh38, 1-based): chr13:38,876,299, C>G. VCF-style: chr13-38876299-C-G. GRCh37 (hg19) VCF-style: chr13-39450436-C-G.
Other names: short protein forms P2821A.
Identifiers: ClinVar variation 312030 (VCV000312030.9), dbSNP rs186980482, ClinGen allele CA6956144.